The following is an entry in ClinVar:

NM_001278716.2(FBXL4):c.953T>G (p.Leu318Arg)

Gene: FBXL4 (F-box and leucine rich repeat protein 4; minus strand). Cytogenetic location: 6q16.2.
Variant type: single nucleotide variant.
Coding change: c.953T>G on transcript NM_001278716.2 (MANE Select); coding-DNA position 953, T replaced by G.
Protein change: p.Leu318Arg; replaces leucine 318 with arginine.
Molecular consequence: missense variant. On other transcripts: non-coding transcript variant (2).
Genome position (GRCh38, 1-based): chr6:98,905,576, A>C on the plus strand (T>G on the coding strand, the complement: FBXL4 is on the minus strand). VCF-style: chr6-98905576-A-C. GRCh37 (hg19) VCF-style: chr6-99353452-A-C.
Other names: c.953T>G, p.Leu318Arg (NM_012160.5); short protein forms L318R.
Identifiers: ClinVar variation 437664 (VCV000437664.1), dbSNP rs766177758, ClinGen allele CA3933575.

ClinVar aggregate classification (germline): Uncertain significance (1 of 4 stars; one submission).

Conditions:
Mitochondrial DNA depletion syndrome 13. Also called: FBXL4-Related Encephalomyopathic Mitochondrial DNA Depletion Syndrome; Mitochondrial DNA depletion syndrome 13 (encephalomyopathic type). Identifiers: Orphanet 369897, MedGen C3809592, MONDO:0014198, OMIM 615471.

Allele frequency attached by ClinVar (database versions not stated): ExAC 0.00001; gnomAD exomes 0.00001.
gnomAD v4.1: 2 of 1,613,994 alleles (0.00012%); highest among the groups gnomAD compares: South Asian, 0.0022%; no homozygotes.

Submission:

Wong Mito Lab, Molecular and Human Genetics, Baylor College of Medicine
Classification: Uncertain significance for Mitochondrial DNA depletion syndrome 13. Last evaluated: 2017-08-10. Review status: criteria provided, single submitter. Criteria: ACMG Guidelines, 2015. Collection method: reference population. Allele origin: germline.
Comment: The NM_012160.4:c.953T>G (NP_036292.2:p.Leu318Arg) [GRCH38: NC_000006.12:g.98905576A>C] variant in FBXL4 gene is interpretated to be a Uncertain Significance - Insufficient Evidence based on ACMG guidelines (PMID: 25741868). This variant meets one or more of the following evidence codes reported in the ACMG-guideline. PM2:This variant is absent in key population databases. PP3:Computational evidence/predictors indicate the variant has deleterious effect on FBXL4 structure, function, or protein-protein interaction. Based on this evidence code ClinGen Pathogenicity Calculator (PMID:28081714) suggested that the variant is Uncertain Significance - Insufficient Evidence.